The following is an entry in ClinVar:

NM_001457.4(FLNB):c.4511G>T (p.Arg1504Leu)

Gene: FLNB (filamin B; plus strand). Cytogenetic location: 3p14.3.
Variant type: single nucleotide variant.
Coding change: c.4511G>T on transcript NM_001457.4 (MANE Select); coding-DNA position 4511, G replaced by T.
Protein change: p.Arg1504Leu; replaces arginine 1504 with leucine.
Molecular consequence: missense variant.
Genome position (GRCh38, 1-based): chr3:58,132,928, G>T. VCF-style: chr3-58132928-G-T. GRCh37 (hg19) VCF-style: chr3-58118655-G-T.
Other names: c.4604G>T, p.Arg1535Leu (NM_001164317.2); c.4511G>T, p.Arg1504Leu (NM_001164318.2, NM_001164319.2); short protein forms R1504L, R1535L.
Identifiers: ClinVar variation 1917152 (VCV001917152.6), dbSNP rs111498181, ClinGen allele CA2468789.

ClinVar aggregate classification (germline): Uncertain significance. Review status: criteria provided, multiple submitters, no conflicts (2 of 4 stars). 2 submissions from 2 submitters: Uncertain significance (2). Last evaluated 2025-08-11.

Conditions:
Inborn genetic diseases. Identifiers: MedGen C0950123, MeSH D030342.

gnomAD v4.1: 7 of 1,612,330 alleles (0.00043%); highest among the groups gnomAD compares: Middle Eastern, 0.033%; no homozygotes.

Submissions (2):

Labcorp Genetics (formerly Invitae), Labcorp
Classification: Uncertain significance. Last evaluated: 2025-08-11. Review status: criteria provided, single submitter. Criteria: Invitae Variant Classification Sherloc (09022015). Collection method: clinical testing. Allele origin: germline.
Comment: This sequence change replaces arginine, which is basic and polar, with leucine, which is neutral and non-polar, at codon 1504 of the FLNB protein (p.Arg1504Leu). This variant is present in population databases (rs111498181, gnomAD 0.0009%). This variant has not been reported in the literature in individuals affected with FLNB-related conditions. ClinVar contains an entry for this variant (Variation ID: 1917152). Invitae Evidence Modeling of protein sequence and biophysical properties (such as structural, functional, and spatial information, amino acid conservation, physicochemical variation, residue mobility, and thermodynamic stability) indicates that this missense variant is not expected to disrupt FLNB protein function with a negative predictive value of 95%. In summary, the available evidence is currently insufficient to determine the role of this variant in disease. Therefore, it has been classified as a Variant of Uncertain Significance.

Ambry Genetics
Classification: Uncertain significance for Inborn genetic diseases. Last evaluated: 2022-04-12. Review status: criteria provided, single submitter. Criteria: Ambry Variant Classification Scheme 2023. Collection method: clinical testing. Allele origin: germline.